The following is an entry in ClinVar:

ClinVar aggregate classification (germline): Uncertain significance (1 of 4 stars; one submission).

Conditions:
POLD1-related polyposis and colorectal cancer syndrome (CRCS10). Also called: Colorectal cancer 10; COLORECTAL CANCER, SUSCEPTIBILITY TO, ON CHROMOSOME 19q; Colorectal cancer, susceptibility to, 10. Identifiers: Orphanet 220460, MedGen C2675481, MONDO:0012953, OMIM 612591.

Submission:

Labcorp Genetics (formerly Invitae), Labcorp
Classification: Uncertain significance for POLD1-related polyposis and colorectal cancer syndrome. Last evaluated: 2022-04-01. Review status: criteria provided, single submitter. Criteria: Invitae Variant Classification Sherloc (09022015). Collection method: clinical testing. Allele origin: germline.
Comment: In summary, the available evidence is currently insufficient to determine the role of this variant in disease. Therefore, it has been classified as a Variant of Uncertain Significance. This variant has not been reported in the literature in individuals affected with POLD1-related conditions. This variant is not present in population databases (gnomAD no frequency). This sequence change creates a premature translational stop signal (p.Arg119Profs*50) in the POLD1 gene. Missense variants that disrupt the 3'-5' exonuclease (proof-reading) activity of the POLD1 protein are associated with an increased risk for colonic adenomatous polyps and colon cancer (PMID: 23263490, 23447401). However, loss-of-function variants that result in an absent or severely disrupted POLD1 protein, and missense variants outside the exonuclease domain, are unlikely to be associated with polyposis or colon cancer.

Literature cited by the submitters: PubMed 23263490; PubMed 23447401.

NM_002691.4(POLD1):c.356del (p.Arg119fs)

Gene: POLD1 (DNA polymerase delta 1, catalytic subunit; plus strand). Cytogenetic location: 19q13.33.
Variant type: Deletion.
Coding change: c.356del on transcript NM_002691.4 (MANE Select); coding-DNA position 356, one base deleted (G; older notation c.356delG).
Protein change: p.Arg119fs; shifts the reading frame from arginine 119.
Molecular consequence: frameshift variant. On other transcripts: non-coding transcript variant (1).
Genome position (GRCh38, 1-based): chr19:50,401,817, G deleted. VCF-style (leftmost placement, unchanged base first): chr19-50401816-CG-C. GRCh37 (hg19) VCF-style: chr19-50905073-CG-C.
Other names: c.356del, p.Arg119fs (NM_001256849.1, NM_001308632.1); short protein forms R119fs.
Identifiers: ClinVar variation 2120144 (VCV002120144.4), dbSNP rs2513955348, ClinGen allele CA2580097628.